The following is an entry in ClinVar:

ClinVar aggregate classification (germline): Uncertain significance (1 of 4 stars; one submission).

Submission:

Labcorp Genetics (formerly Invitae), Labcorp
Classification: Uncertain significance. Last evaluated: 2023-12-13. Review status: criteria provided, single submitter. Criteria: Invitae Variant Classification Sherloc (09022015). Collection method: clinical testing. Allele origin: germline.
Comment: This sequence change replaces serine, which is neutral and polar, with asparagine, which is neutral and polar, at codon 130 of the OPA1 protein (p.Ser130Asn). This variant is not present in population databases (gnomAD no frequency). This variant has not been reported in the literature in individuals affected with OPA1-related conditions. Advanced modeling of protein sequence and biophysical properties (such as structural, functional, and spatial information, amino acid conservation, physicochemical variation, residue mobility, and thermodynamic stability) performed at Invitae indicates that this missense variant is not expected to disrupt OPA1 protein function with a negative predictive value of 80%. In summary, the available evidence is currently insufficient to determine the role of this variant in disease. Therefore, it has been classified as a Variant of Uncertain Significance.

NM_130837.3(OPA1):c.389G>A (p.Ser130Asn)

Gene: OPA1 (OPA1 mitochondrial dynamin like GTPase; plus strand). Cytogenetic location: 3q29.
Variant type: single nucleotide variant.
Coding change: c.389G>A on transcript NM_130837.3 (MANE Select); coding-DNA position 389, G replaced by A.
Protein change: p.Ser130Asn; replaces serine 130 with asparagine.
Molecular consequence: missense variant.
Genome position (GRCh38, 1-based): chr3:193,615,711, G>A. VCF-style: chr3-193615711-G-A. GRCh37 (hg19) VCF-style: chr3-193333500-G-A.
Other names: c.17G>A, p.Ser6Asn (NM_001354663.2, NM_001354664.2); c.389G>A, p.Ser130Asn (NM_015560.3, NM_130831.3, NM_130832.3 and 4 more transcripts); short protein forms S130N, S6N.
Identifiers: ClinVar variation 3009937 (VCV003009937.3), dbSNP rs760267194, ClinGen allele CA355787118.
Genomic context (GRCh38, chr3:193,615,711, plus strand): 5'-TGACACACTTTCTTGTCTTTTAGACTTTTGATCAGTGGAAAGATATGATACCGGACCTTA[G>A]TGAATATAAATGGATTGTGCCTGACATTGTGTGGGAAATTGATGAGTATATCGATTTTGG-3'
Protein context (NP_570850.2, residues 120-140): DQWKDMIPDL[Ser130Asn]EYKWIVPDIV